The following is an entry in ClinVar:

ClinVar aggregate classification (germline): Likely benign. Review status: criteria provided, single submitter (1 of 4 stars). 2 submissions from 2 submitters: Likely benign (1). 1 of the submissions does not count toward it. Last evaluated 2025-11-10.

Conditions:
KIDINS220-related disorder. Also called: KIDINS220-related condition.

Allele frequency attached by ClinVar (database versions not stated): gnomAD exomes 0.00001 and 0.00003; ExAC 0.00003; TOPMed 0.00007; gnomAD 0.00008 and 0.00009; ESP Exome Variant Server 0.00016.
gnomAD v4.1: 23 of 1,611,702 alleles (0.0014%); highest among the groups gnomAD compares: African/African-American, 0.028%; no homozygotes.

Submissions (2):

Labcorp Genetics (formerly Invitae), Labcorp
Classification: Likely benign. Last evaluated: 2025-11-10. Review status: criteria provided, single submitter. Criteria: Invitae Variant Classification Sherloc (09022015). Collection method: clinical testing. Allele origin: germline.

PreventionGenetics, part of Exact Sciences
Classification: Likely benign for KIDINS220-related condition. Last evaluated: 2022-02-15. Review status: no assertion criteria provided. Collection method: clinical testing. Allele origin: germline. Not counted in ClinVar's aggregate classification.
Comment: This variant is classified as likely benign based on ACMG/AMP sequence variant interpretation guidelines (Richards et al. 2015 PMID: 25741868, with internal and published modifications).

NM_020738.4(KIDINS220):c.3228A>G (p.Gly1076=)

Gene: KIDINS220 (kinase D interacting substrate 220; minus strand). Cytogenetic location: 2p25.1.
Variant type: single nucleotide variant.
Coding change: c.3228A>G on transcript NM_020738.4 (MANE Select); coding-DNA position 3228, A replaced by G.
Protein change: p.Gly1076=; no amino-acid change (glycine 1076 retained).
Molecular consequence: synonymous variant. On other transcripts: non-coding transcript variant (2).
Genome position (GRCh38, 1-based): chr2:8,750,298, T>C on the plus strand (A>G on the coding strand, the complement: KIDINS220 is on the minus strand). VCF-style: chr2-8750298-T-C. GRCh37 (hg19) VCF-style: chr2-8890428-T-C.
Other names: c.3231A>G, p.Gly1077= (NM_001348729.2, NM_001348731.2, NM_001348734.2 and 2 more transcripts); c.3228A>G, p.Gly1076= (NM_001348732.2, NM_001348735.2, NM_001348738.2 and 3 more transcripts); c.3102A>G, p.Gly1034= (NM_001348736.2).
Identifiers: ClinVar variation 724973 (VCV000724973.9), dbSNP rs375000969, ClinGen allele CA1519730.
Genomic context (GRCh38, chr2:8,750,298, plus strand): 5'-GCTGTACCCTGATGGCGCCCTAGGAGGACCCTCATGTAGAGGGAGCGGGGGGTACGCCAG[T>C]CCTCCAATACTGATCTGCTCTCTGGCAGCACGAACATCTGAAAGATTCAATCAGACCCCA-3'
Protein context (NP_065789.1, residues 1066-1086): RAAREQISIG[Gly1076=]LAYPPLPLHE